The following is an entry in ClinVar:

NM_001655.5(ARCN1):c.886dup (p.Glu296fs)

Gene: ARCN1 (archain 1; plus strand). Cytogenetic location: 11q23.3.
Variant type: Duplication.
Coding change: c.886dup on transcript NM_001655.5 (MANE Select); coding-DNA position 886, one base duplicated (G; older notation c.886dupG).
Protein change: p.Glu296fs; shifts the reading frame from glutamic acid 296.
Molecular consequence: frameshift variant.
Genome position (GRCh38, 1-based): chr11:118,590,408, G duplicated; the last of 2 consecutive G bases (chr11:118,590,407-118,590,408); duplicating either gives the same sequence. VCF-style (leftmost placement, unchanged base first): chr11-118590406-T-TG. GRCh37 (hg19) VCF-style: chr11-118461121-T-TG.
Other names: c.622dup, p.Glu208fs (NM_001142281.2); c.886dup, p.Glu296Glyfs (NM_001425073.1, NM_001425078.1); c.883dup, p.Glu295Glyfs (NM_001425074.1, NM_001425079.1); c.829dup, p.Glu277Glyfs (NM_001425075.1); c.817dup, p.Glu273Glyfs (NM_001425076.1); c.721dup, p.Glu241Glyfs (NM_001425077.1); c.442dup, p.Glu148Glyfs (NM_001425080.1); c.622dup, p.Glu208Glyfs (NM_001425081.1); short protein forms E208fs, E296fs.
Identifiers: ClinVar variation 3064279 (VCV003064279.2), dbSNP rs2497705927, ClinGen allele CA2740093235.

ClinVar aggregate classification (germline): Pathogenic (1 of 4 stars; one submission).

Conditions:
Short stature, rhizomelic, with microcephaly, micrognathia, and developmental delay (SSMG). Also called: SHORT STATURE-MICROGNATHIA SYNDROME. Identifiers: Orphanet 659702, MedGen C4310686, MONDO:0014948, OMIM 617164.

Submission:

Gansu Provincial Maternity and Child Care Hospital
Classification: Pathogenic for Short stature, rhizomelic, with microcephaly, micrognathia, and developmental delay. Last evaluated: 2024-03-27. Review status: criteria provided, single submitter. Criteria: ACMG Guidelines, 2015. Collection method: clinical testing. Allele origin: de novo. Inheritance: Autosomal dominant inheritance. Affected: yes. Observed: 1 heterozygote.
Comment: PVS1+PS2+PM2